The following is an entry in ClinVar:

NM_001793.6(CDH3):c.2107G>A (p.Glu703Lys)

Gene: CDH3 (cadherin 3; plus strand). Cytogenetic location: 16q22.1.
Variant type: single nucleotide variant.
Coding change: c.2107G>A on transcript NM_001793.6 (MANE Select); coding-DNA position 2107, G replaced by A.
Protein change: p.Glu703Lys; replaces glutamic acid 703 with lysine.
Molecular consequence: missense variant.
Genome position (GRCh38, 1-based): chr16:68,695,359, G>A. VCF-style: chr16-68695359-G-A. GRCh37 (hg19) VCF-style: chr16-68729262-G-A.
Other names: c.2107G>A, p.Glu703Lys (NM_001317195.3); c.1942G>A, p.Glu648Lys (NM_001317196.2); c.2107G>A (NM_001793.4); short protein forms E648K, E703K.
Identifiers: ClinVar variation 942718 (VCV000942718.7), dbSNP rs765735688, ClinGen allele CA8129570.

ClinVar aggregate classification (germline): Uncertain significance. Review status: criteria provided, multiple submitters, no conflicts (2 of 4 stars). 2 submissions from 2 submitters: Uncertain significance (2). Last evaluated 2024-10-22.

Conditions:
Inborn genetic diseases. Identifiers: MedGen C0950123, MeSH D030342.

Allele frequency attached by ClinVar (database versions not stated): gnomAD exomes 0.00001; ExAC 0.00002; gnomAD 0.00005 and 0.00008; TOPMed 0.00017.
gnomAD v4.1: 31 of 1,613,192 alleles (0.0019%); highest among the groups gnomAD compares: Admixed American, 0.017%; no homozygotes.

Submissions (2):

Labcorp Genetics (formerly Invitae), Labcorp
Classification: Uncertain significance. Last evaluated: 2024-10-22. Review status: criteria provided, single submitter. Criteria: Invitae Variant Classification Sherloc (09022015). Collection method: clinical testing. Allele origin: germline.
Comment: This sequence change replaces glutamic acid, which is acidic and polar, with lysine, which is basic and polar, at codon 703 of the CDH3 protein (p.Glu703Lys). This variant is present in population databases (rs765735688, gnomAD 0.01%). This variant has not been reported in the literature in individuals affected with CDH3-related conditions. ClinVar contains an entry for this variant (Variation ID: 942718). Invitae Evidence Modeling of protein sequence and biophysical properties (such as structural, functional, and spatial information, amino acid conservation, physicochemical variation, residue mobility, and thermodynamic stability) indicates that this missense variant is expected to disrupt CDH3 protein function with a positive predictive value of 80%. In summary, the available evidence is currently insufficient to determine the role of this variant in disease. Therefore, it has been classified as a Variant of Uncertain Significance.

Ambry Genetics
Classification: Uncertain significance for Inborn genetic diseases. Last evaluated: 2024-05-14. Review status: criteria provided, single submitter. Criteria: Ambry Variant Classification Scheme 2023. Collection method: clinical testing. Allele origin: germline.